The following is an entry in ClinVar:

ClinVar aggregate classification (germline): Uncertain significance (1 of 4 stars; one submission).

Conditions:
Myopathy, centronuclear, 2 (CNM2). Also called: MYOTUBULAR MYOPATHY, AUTOSOMAL RECESSIVE. Identifiers: Orphanet 169186, MedGen CN031787, MONDO:0009709, OMIM 255200.

Allele frequency attached by ClinVar (database versions not stated): gnomAD 0.00001; ESP Exome Variant Server 0.00008; TOPMed 0.00002.
gnomAD v4.1: 2 of 1,612,186 alleles (0.00012%); highest among the groups gnomAD compares: Non-Finnish European, 0.00017%; no homozygotes.

Submission:

Labcorp Genetics (formerly Invitae), Labcorp
Classification: Uncertain significance for Myopathy, centronuclear, 2. Last evaluated: 2024-05-31. Review status: criteria provided, single submitter. Criteria: Invitae Variant Classification Sherloc (09022015). Collection method: clinical testing. Allele origin: germline.
Comment: This sequence change replaces glutamine, which is neutral and polar, with histidine, which is basic and polar, at codon 19 of the BIN1 protein (p.Gln19His). This variant is not present in population databases (gnomAD no frequency). This variant has not been reported in the literature in individuals affected with BIN1-related conditions. ClinVar contains an entry for this variant (Variation ID: 1493842). Advanced modeling of protein sequence and biophysical properties (such as structural, functional, and spatial information, amino acid conservation, physicochemical variation, residue mobility, and thermodynamic stability) performed at Invitae indicates that this missense variant is expected to disrupt BIN1 protein function with a positive predictive value of 80%. In summary, the available evidence is currently insufficient to determine the role of this variant in disease. Therefore, it has been classified as a Variant of Uncertain Significance.

NM_139343.3(BIN1):c.57G>C (p.Gln19His)

Gene: BIN1 (bridging integrator 1; minus strand). Cytogenetic location: 2q14.3.
Variant type: single nucleotide variant.
Coding change: c.57G>C on transcript NM_139343.3 (MANE Select); coding-DNA position 57, G replaced by C.
Protein change: p.Gln19His; replaces glutamine 19 with histidine.
Molecular consequence: missense variant.
Genome position (GRCh38, 1-based): chr2:127,106,887, C>G on the plus strand (G>C on the coding strand, the complement: BIN1 is on the minus strand). VCF-style: chr2-127106887-C-G. GRCh37 (hg19) VCF-style: chr2-127864463-C-G.
Other names: c.57G>C, p.Gln19His (NM_001320632.2, NM_001320633.2, NM_001320640.2 and 10 more transcripts); short protein forms Q19H.
Identifiers: ClinVar variation 1493842 (VCV001493842.8), dbSNP rs142657993, ClinGen allele CA55353103.
Genomic context (GRCh38, chr2:127,106,887, plus strand): 5'-ACTCCGCGGCTGCTGGGGCTCCGGCTCGCTCACCTTCTCCTGCGCGCGGGTGAGCTTCTT[C>G]TGCACGTTGCTGGCGATCTTTCCCGCCGTCACCCCTTTACTGCCCATCTCTGCCATCGCG-3'
Protein context (NP_647593.1, residues 9-29): VTAGKIASNV[Gln19His]KKLTRAQEKV